The following is an entry in ClinVar:

NM_000553.6(WRN):c.16T>A (p.Leu6Met)

Gene: WRN (WRN RecQ like helicase; plus strand). Cytogenetic location: 8p12.
Variant type: single nucleotide variant.
Coding change: c.16T>A on transcript NM_000553.6 (MANE Select); coding-DNA position 16, T replaced by A.
Protein change: p.Leu6Met; replaces leucine 6 with methionine.
Molecular consequence: missense variant.
Genome position (GRCh38, 1-based): chr8:31,058,463, T>A. VCF-style: chr8-31058463-T-A. GRCh37 (hg19) VCF-style: chr8-30915979-T-A.
Other names: short protein forms L6M.
Identifiers: ClinVar variation 528099 (VCV000528099.8), dbSNP rs202148988, ClinGen allele CA4703957.
Genomic context (GRCh38, chr8:31,058,463, plus strand): 5'-ATGAAGACATTGTTTTTTGGACTCTGCAAATAGGACATTTCAAAGATGAGTGAAAAAAAA[T>A]TGGAAACAACTGCACAGCAGCGGAAATGTCCTGAATGGATGAATGTGCAGAATAAAAGAT-3'
Protein context (NP_000544.2, residues 1-16): MSEKK[Leu6Met]ETTAQQRKCP

ClinVar aggregate classification (germline): Uncertain significance. Review status: criteria provided, multiple submitters, no conflicts (2 of 4 stars). 2 submissions from 2 submitters: Uncertain significance (2). Last evaluated 2022-03-09.

Conditions:
Werner syndrome (WRN). Identifiers: Orphanet 902, MedGen C0043119, MONDO:0010196, OMIM 277700.

Allele frequency attached by ClinVar (database versions not stated): TOPMed 0.00001.
gnomAD v4.1: 6 of 1,613,122 alleles (0.00037%); highest among the groups gnomAD compares: East Asian, 0.0089%; no homozygotes.

Submissions (2):

Labcorp Genetics (formerly Invitae), Labcorp
Classification: Uncertain significance for Werner syndrome. Last evaluated: 2022-03-09. Review status: criteria provided, single submitter. Criteria: Invitae Variant Classification Sherloc (09022015). Collection method: clinical testing. Allele origin: germline.
Comment: This sequence change replaces leucine, which is neutral and non-polar, with methionine, which is neutral and non-polar, at codon 6 of the WRN protein (p.Leu6Met). The frequency data for this variant in the population databases is considered unreliable, as metrics indicate poor data quality at this position in the gnomAD database. This variant has not been reported in the literature in individuals affected with WRN-related conditions. ClinVar contains an entry for this variant (Variation ID: 528099). Algorithms developed to predict the effect of missense changes on protein structure and function output the following: SIFT: "Not Available"; PolyPhen-2: "Benign"; Align-GVGD: "Not Available". The methionine amino acid residue is found in multiple mammalian species, which suggests that this missense change does not adversely affect protein function. In summary, the available evidence is currently insufficient to determine the role of this variant in disease. Therefore, it has been classified as a Variant of Uncertain Significance.

Illumina Laboratory Services, Illumina
Classification: Uncertain significance for Werner syndrome. Last evaluated: 2018-01-13. Review status: criteria provided, single submitter. Criteria: ICSL Variant Classification Criteria 13 December 2019. Collection method: clinical testing. Allele origin: germline.